The following is an entry in ClinVar:

ClinVar aggregate classification (germline): Uncertain significance (1 of 4 stars; one submission).

Submission:

Labcorp Genetics (formerly Invitae), Labcorp
Classification: Uncertain significance. Last evaluated: 2022-09-28. Review status: criteria provided, single submitter. Criteria: Invitae Variant Classification Sherloc (09022015). Collection method: clinical testing. Allele origin: germline.
Comment: In summary, the available evidence is currently insufficient to determine the role of this variant in disease. Therefore, it has been classified as a Variant of Uncertain Significance. Advanced modeling of protein sequence and biophysical properties (such as structural, functional, and spatial information, amino acid conservation, physicochemical variation, residue mobility, and thermodynamic stability) performed at Invitae indicates that this missense variant is expected to disrupt HPS3 protein function. This variant has not been reported in the literature in individuals affected with HPS3-related conditions. This variant is not present in population databases (gnomAD no frequency). This sequence change replaces valine, which is neutral and non-polar, with phenylalanine, which is neutral and non-polar, at codon 919 of the HPS3 protein (p.Val919Phe).

NM_032383.5(HPS3):c.2755G>T (p.Val919Phe)

Genes: CP (ceruloplasmin; minus strand), HPS3 (HPS3 biogenesis of lysosomal organelles complex 2 subunit 1; plus strand). Cytogenetic location: 3q24.
Variant type: single nucleotide variant.
Coding change: c.2755G>T on transcript NM_032383.5 (MANE Select); coding-DNA position 2755, G replaced by T.
Protein change: p.Val919Phe; replaces valine 919 with phenylalanine.
Molecular consequence: missense variant.
Genome position (GRCh38, 1-based): chr3:149,167,199, G>T. VCF-style: chr3-149167199-G-T. GRCh37 (hg19) VCF-style: chr3-148884986-G-T.
Other names: c.2260G>T, p.Val754Phe (NM_001308258.2); short protein forms V754F, V919F.
Identifiers: ClinVar variation 1994114 (VCV001994114.4), dbSNP rs1576706741, ClinGen allele CA354925941.